The following is an entry in ClinVar:

NM_198253.3(TERT):c.922C>T (p.Pro308Ser)

Gene: TERT (telomerase reverse transcriptase; minus strand). Cytogenetic location: 5p15.33.
Variant type: single nucleotide variant.
Coding change: c.922C>T on transcript NM_198253.3 (MANE Select); coding-DNA position 922, C replaced by T.
Protein change: p.Pro308Ser; replaces proline 308 with serine.
Molecular consequence: missense variant. On other transcripts: non-coding transcript variant (2).
Genome position (GRCh38, 1-based): chr5:1,293,964, G>A on the plus strand (C>T on the coding strand, the complement: TERT is on the minus strand). VCF-style: chr5-1293964-G-A. GRCh37 (hg19) VCF-style: chr5-1294079-G-A.
Other names: c.922C>T, p.Pro308Ser (NM_001193376.3); short protein forms P308S.
Identifiers: ClinVar variation 4813180 (VCV004813180.1).
Genomic context (GRCh38, chr5:1,293,964, plus strand): 5'-TCTCGGCGTACACCGGGGGACAAGGCGTGTCCCAGGGACGTGGTGGCCGCGATGTGGATG[G>A]GGGGCCCGCGTGGTGCTGGCGGCCCACGGATGGGTGGGAGTGGCGCGTGCCAGAGAGCGC-3'
Protein context (NP_937983.2, residues 298-318): SVGRQHHAGP[Pro308Ser]STSRPPRPWD

ClinVar aggregate classification (germline): Uncertain significance (1 of 4 stars; one submission).

Conditions:
Dyskeratosis congenita, autosomal dominant 2. Identifiers: MedGen C3151443, MONDO:0013521, OMIM 613989.

Submission:

St. Jude Molecular Pathology, St. Jude Children's Research Hospital
Classification: Uncertain significance for Dyskeratosis congenita, autosomal dominant 2. Last evaluated: 2026-02-20. Review status: criteria provided, single submitter. Criteria: St. Jude Assertion Criteria 2020. Collection method: clinical testing. Allele origin: germline.
Comment: The TERT c.922C>T p.(Pro308Ser) missense change is absent in gnomAD v2.1.1. The in silico tool REVEL predicts a benign effect on protein function, but to our knowledge this prediction has not bee n confirmed by functional studies. To our knowledge, this variant has not been reported in individuals with clinical features of dyskeratosis congenita. In summary, the evidence currently available is insufficient to determine the clinical significance o f this variant. It has therefore been classified as of uncertain significance.